The following is an entry in ClinVar:

NM_006231.4(POLE):c.1052T>C (p.Val351Ala)

Gene: POLE (DNA polymerase epsilon, catalytic subunit; minus strand). Cytogenetic location: 12q24.33.
Variant type: single nucleotide variant.
Coding change: c.1052T>C on transcript NM_006231.4 (MANE Select); coding-DNA position 1052, T replaced by C.
Protein change: p.Val351Ala; replaces valine 351 with alanine.
Molecular consequence: missense variant.
Genome position (GRCh38, 1-based): chr12:132,675,789, A>G on the plus strand (T>C on the coding strand, the complement: POLE is on the minus strand). VCF-style: chr12-132675789-A-G. GRCh37 (hg19) VCF-style: chr12-133252375-A-G.
Other names: short protein forms V351A.
Identifiers: ClinVar variation 5027039 (VCV005027039.1).

ClinVar aggregate classification (germline): Uncertain significance (1 of 4 stars; one submission).

Conditions:
Hereditary cancer-predisposing syndrome. Also called: Neoplastic Syndromes, Hereditary; Tumor predisposition; Hereditary neoplastic syndrome; Hereditary Cancer Syndrome. Identifiers: Orphanet 140162, MedGen C0027672, MeSH D009386, MONDO:0015356.

Submission:

Ambry Genetics
Classification: Uncertain significance for Hereditary cancer-predisposing syndrome. Last evaluated: 2026-08-02. Review status: criteria provided, single submitter. Criteria: Ambry Variant Classification Scheme 2023. Collection method: clinical testing. Allele origin: germline.
Comment: The p.V351A variant (also known as c.1052T>C), located in coding exon 11 of the POLE gene, results from a T to C substitution at nucleotide position 1052. The valine at codon 351 is replaced by alanine, an amino acid with similar properties. This amino acid position is conserved. In addition, the in silico prediction for this alteration is inconclusive. Based on the available evidence, the clinical significance of this variant remains unclear.